The following is an entry in ClinVar:

ClinVar aggregate classification (germline): Pathogenic/Likely pathogenic. Review status: criteria provided, multiple submitters, no conflicts (2 of 4 stars). 9 submissions from 9 submitters: Pathogenic (3); Likely pathogenic (5). 1 of the submissions does not count toward it. Last evaluated 2025-08-29.

Conditions:
Hereditary cancer-predisposing syndrome. Also called: Tumor predisposition; Hereditary Cancer Syndrome; Neoplastic Syndromes, Hereditary; Hereditary neoplastic syndrome. Identifiers: Orphanet 140162, MedGen C0027672, MeSH D009386, MONDO:0015356.
Familial cancer of breast. Also called: hereditary breast carcinoma; BREAST CANCER, FAMILIAL; Hereditary breast cancer. Identifiers: Orphanet 227535, MedGen C0346153, MONDO:0016419, OMIM 114480. Disease mechanism: loss of function.
Ataxia-telangiectasia syndrome (AT). Also called: Cerebello-oculocutaneous telangiectasia; Immunodeficiency with ataxia telangiectasia; Ataxia-telangiectasia; Ataxia-telangiectasia, complementation group D; AT, COMPLEMENTATION GROUP C; ATAXIA-TELANGIECTASIA, COMPLEMENTATION GROUP A. Identifiers: Orphanet 100, MedGen C0004135, MONDO:0008840, OMIM 208900.

Allele frequency attached by ClinVar (database versions not stated): gnomAD 0.00001.

Submissions (9):

Labcorp Genetics (formerly Invitae), Labcorp
Classification: Pathogenic for Ataxia-telangiectasia syndrome. Last evaluated: 2025-08-29. Review status: criteria provided, single submitter. Criteria: Invitae Variant Classification Sherloc (09022015). Collection method: clinical testing. Allele origin: germline.
Comment: This sequence change affects a donor splice site in intron 2 of the ATM gene. It is expected to disrupt RNA splicing. Variants that disrupt the donor or acceptor splice site typically lead to a loss of protein function (PMID: 16199547), and loss-of-function variants in ATM are known to be pathogenic (PMID: 23807571, 25614872). This variant is present in population databases (rs786204088, gnomAD 0.01%). Disruption of this splice site has been observed in individuals with clinical features of ataxia-telangiectasia and/or breast cancer (PMID: 9887333, 30287823; internal data). ClinVar contains an entry for this variant (Variation ID: 188125). Algorithms developed to predict the effect of sequence changes on RNA splicing suggest that this variant may disrupt the consensus splice site. For these reasons, this variant has been classified as Pathogenic.

3billion
Classification: Pathogenic for Ataxia-telangiectasia syndrome. Last evaluated: 2025-02-26. Review status: criteria provided, single submitter. Criteria: ACMG Guidelines, 2015. Collection method: clinical testing. Allele origin: germline. Affected: yes.
Comment: The variant is observed at an extremely low frequency in the gnomAD v4.1.0 dataset (total allele frequency: <0.001%). Predicted Consequence/Location: Canonical splice site: predicted to alter splicing and result in a loss or disruption of normal protein function. Multiple pathogenic loss-of-function variants are reported downstream of the variant. In silico tools predict the variant to alter splicing and produce an abnormal transcript [SpliceAI: 0.86 (spliceogenicity >=0.2, non-spliceogenicity <0.1)]. The variant has been reported at least twice as pathogenic with clinical assertions and evidence for the classification (ClinVar ID: VCV000188125 /PMID: 30287823). Therefore, this variant is classified as Pathogenic according to the recommendation of ACMG/AMP guideline.

Natera, Inc.
Classification: Pathogenic for Ataxia-telangiectasia. Last evaluated: 2025-02-20. Review status: criteria provided, single submitter. Criteria: Natera Variant Classification Schema (03/2026). Collection method: clinical testing. Allele origin: germline.
Comment: The c.72+1G>A variant in ATM is a canonical splice donor site variant predicted to affect pre-mRNA splicing, which may result in an abnormal transcript and altered protein product. This variant is expected to result in nonsense mediated decay, truncation, or a dysfunctional protein product. This variant is rare in the general population with a frequency below the threshold expected for the associated phenotype(s). This variant has been observed in one or more individuals affected with the associated recessive disease, as either homozygous or compound heterozygous with a second variant (PMID: 38917355). Given the available evidence, this variant is classified as Pathogenic.

Ambry Genetics
Classification: Likely pathogenic for Hereditary cancer-predisposing syndrome. Last evaluated: 2024-12-23. Review status: criteria provided, single submitter. Criteria: Ambry Variant Classification Scheme 2023. Collection method: clinical testing. Allele origin: germline.
Comment: The c.72+1G>A intronic variant results from a G to A substitution one nucleotide after coding exon 1 of the ATM gene. This nucleotide position is highly conserved in available vertebrate species. In silico splice site analysis predicts that this alteration will weaken the native splice donor site. RNA studies have demonstrated that this alteration results in abnormal splicing in the set of samples tested (Ambry internal data). Based on the majority of available evidence to date, this variant is likely to be pathogenic.

Color Diagnostics, LLC DBA Color Health
Classification: Likely pathogenic for Hereditary cancer-predisposing syndrome. Last evaluated: 2024-09-23. Review status: criteria provided, single submitter. Criteria: ACMG Guidelines, 2015. Collection method: clinical testing. Allele origin: germline.
Comment: This variant causes a G to A nucleotide substitution at the +1 position of intron 2 of the ATM gene. Splice site prediction tools predict that this variant may have a significant impact on RNA splicing. Although this prediction has not been confirmed in published RNA studies, this variant is expected to result in an absent or disrupted protein product. This variant has been reported in an individual affected with breast cancer (PMID: 30287823) and an individual affected with either breast cancer, ovarian cancer, or endometrial cancer (PMID: 34824606). This variant has been identified in 1/31342 chromosomes in the general population by the Genome Aggregation Database (gnomAD). Loss of ATM function is a known mechanism of disease. Based on the available evidence, this variant is classified as Likely Pathogenic.

Myriad Genetics, Inc.
Classification: Likely pathogenic for Familial cancer of breast. Last evaluated: 2024-01-10. Review status: criteria provided, single submitter. Criteria: Myriad Autosomal Dominant, Autosomal Recessive and X-Linked Classification Criteria (2023). Collection method: clinical testing. Allele origin: unknown.
Comment: This variant is considered likely pathogenic. This variant occurs within a consensus splice junction and is predicted to result in abnormal mRNA splicing of either an out-of-frame exon or an in-frame exon necessary for protein stability and/or normal function.

GeneDx
Classification: Likely pathogenic. Last evaluated: 2023-12-11. Review status: criteria provided, single submitter. Criteria: GeneDx Variant Classification Process June 2021. Collection method: clinical testing. Allele origin: germline. Affected: yes.
Comment: Canonical splice site variant predicted to result in a null allele in a gene for which loss of function is a known mechanism of disease; Not observed at significant frequency in large population cohorts (gnomAD); This variant is associated with the following publications: (PMID: 9887333, 34824606, 30287823)

Dasa
Classification: Likely pathogenic for Ataxia-telangiectasia syndrome. Last evaluated: 2022-04-10. Review status: criteria provided, single submitter. Criteria: ACMG Guidelines, 2015. Collection method: clinical testing. Allele origin: germline. Affected: yes. Observed: 1 variant allele.
Comment: The c.72+1G>A variant is located in a canonical splice-site, and it is not predicted the protein reading frame alteration, however, occur in a critical region and the variant disrupts ˃10% of the protein - PVS1_strong. This sequence change has been observed in affected individual(s) and ClinVar contains an entry for this variant (ClinVar ID: 188125) - PS4_moderate. The variant is present at low allele frequencies population databases (rs786204088 – gnomAD 0.0003191%; ABraOM no frequency) - PM2_supporting. In summary, the currently available evidence indicates that the variant is likely pathogenic

Counsyl
Classification: Likely pathogenic for Ataxia-telangiectasia syndrome. Last evaluated: 2016-11-01. Review status: no assertion criteria provided. Collection method: clinical testing. Allele origin: unknown. Not counted in ClinVar's aggregate classification.

Literature cited by the submitters: PubMed 16199547 (cited by Labcorp Genetics (formerly Invitae), Labcorp); PubMed 23807571 (cited by Labcorp Genetics (formerly Invitae), Labcorp); PubMed 25614872 (cited by Labcorp Genetics (formerly Invitae), Labcorp); PubMed 9887333 (cited by Labcorp Genetics (formerly Invitae), Labcorp); PubMed 30287823 (cited by 3 submitters); PubMed 38917355 (cited by Natera, Inc.); PubMed 34824606 (cited by Color Diagnostics, LLC DBA Color Health).

NM_000051.4(ATM):c.72+1G>A

Gene: ATM (ATM serine/threonine kinase; plus strand). Cytogenetic location: 11q22.3.
Variant type: single nucleotide variant.
Coding change: c.72+1G>A on transcript NM_000051.4 (MANE Select); the canonical splice donor site of the intron after coding-DNA position 72, G replaced by A.
Molecular consequence: splice donor variant.
Genome position (GRCh38, 1-based): chr11:108,227,697, G>A. VCF-style: chr11-108227697-G-A. GRCh37 (hg19) VCF-style: chr11-108098424-G-A.
Other names: c.72+1G>A (NM_001351834.2, NM_001351835.2, NM_001351836.2).
Identifiers: ClinVar variation 188125 (VCV000188125.30), dbSNP rs786204088, ClinGen allele CA334106.
Genomic context (GRCh38, chr11:108,227,697, plus strand): 5'-CTTAATGATCTGCTTATCTGCTGCCGTCAACTAGAACATGATAGAGCTACAGAACGAAAG[G>A]TAGTAAATTACTTAAATTCAATTTTTCCTTGAAATAAGTGTGATTAGTAACCCATTATTA-3'